The following is an entry in ClinVar:

NM_000090.4(COL3A1):c.333+4A>G

Gene: COL3A1 (collagen type III alpha 1 chain; plus strand). Cytogenetic location: 2q32.2.
Variant type: single nucleotide variant.
Coding change: c.333+4A>G on transcript NM_000090.4 (MANE Select); 4 bases into the intron after coding-DNA position 333, A replaced by G.
Molecular consequence: intron variant.
Genome position (GRCh38, 1-based): chr2:188,985,251, A>G. VCF-style: chr2-188985251-A-G. GRCh37 (hg19) VCF-style: chr2-189849977-A-G.
Identifiers: ClinVar variation 837893 (VCV000837893.12), dbSNP rs1688041454, ClinGen allele CA916081382.

ClinVar aggregate classification (germline): Uncertain significance. Review status: criteria provided, multiple submitters, no conflicts (2 of 4 stars). 2 submissions from 2 submitters: Uncertain significance (2). Last evaluated 2022-06-30.

Conditions:
Familial thoracic aortic aneurysm and aortic dissection (TAAD). Also called: Thoracic aortic aneurysms and dissections. Identifiers: Orphanet 91387, MedGen C4707243, MONDO:0019625.
Ehlers-Danlos syndrome, type 4 (EDSVASC). Also called: Ehlers-Danlos Syndrome Type IV; Ehlers-Danlos syndrome vascular type; Ehlers Danlos syndrome, ecchymotic type; Ehlers Danlos syndrome, arterial type; Ehlers Danlos syndrome, Sack-Barabas type. Identifiers: Orphanet 286, MedGen C0268338, MONDO:0017314, OMIM 130050.

Submissions (2):

Ambry Genetics
Classification: Uncertain significance for Familial thoracic aortic aneurysm and aortic dissection. Last evaluated: 2022-06-30. Review status: criteria provided, single submitter. Criteria: Ambry Variant Classification Scheme 2023. Collection method: clinical testing. Allele origin: germline.
Comment: The c.333+4A>G intronic alteration consists of a A to G substitution nucleotides after coding exon 3 in the COL3A1 gene. Based on insufficient or conflicting evidence, the clinical significance of this alteration remains unclear.

Labcorp Genetics (formerly Invitae), Labcorp
Classification: Uncertain significance for Ehlers-Danlos syndrome, type 4. Last evaluated: 2019-12-27. Review status: criteria provided, single submitter. Criteria: Invitae Variant Classification Sherloc (09022015). Collection method: clinical testing. Allele origin: germline.
Comment: This variant has not been reported in the literature in individuals with COL3A1-related conditions. This sequence change falls in intron 3 of the COL3A1 gene. It does not directly change the encoded amino acid sequence of the COL3A1 protein, but it affects a nucleotide within the consensus splice site of the intron. This variant is not present in population databases (ExAC no frequency). Nucleotide substitutions within the consensus splice site are a relatively common cause of aberrant splicing (PMID: 17576681, 9536098). Algorithms developed to predict the effect of sequence changes on RNA splicing suggest that this variant may disrupt the consensus splice site, but this prediction has not been confirmed by published transcriptional studies. In summary, the available evidence is currently insufficient to determine the role of this variant in disease. Therefore, it has been classified as a Variant of Uncertain Significance.

Literature cited by the submitters: PubMed 17576681 (cited by Labcorp Genetics (formerly Invitae), Labcorp); PubMed 9536098 (cited by Labcorp Genetics (formerly Invitae), Labcorp).